The following is an entry in ClinVar:

ClinVar aggregate classification (germline): Conflicting classifications of pathogenicity. Review status: criteria provided, conflicting classifications (1 of 4 stars). 5 submissions from 5 submitters: Uncertain significance (4); Likely benign (1). Last evaluated 2026-05-01.

Allele frequency attached by ClinVar (database versions not stated): ExAC 0.00001; gnomAD 0.00001; gnomAD exomes 0.00001; TOPMed 0.00001; ESP Exome Variant Server 0.00008.
gnomAD v4.1: 16 of 1,584,382 alleles (0.001%); highest among the groups gnomAD compares: South Asian, 0.0012%; no homozygotes.

Submissions (5):

CeGaT Center for Human Genetics Tuebingen
Classification: Uncertain significance. Last evaluated: 2026-05-01. Review status: criteria provided, single submitter. Criteria: CeGaT Center For Human Genetics Tuebingen Variant Classification Criteria Version 2. Collection method: clinical testing. Allele origin: germline. Affected: yes. Observed: 1 variant allele.
Comment: TTN: PM2

Molecular Diagnostic Laboratory for Inherited Cardiovascular Disease, Montreal Heart Institute
Classification: Likely benign. Last evaluated: 2025-04-09. Review status: criteria provided, single submitter. Criteria: ACMG Guidelines, 2015. Collection method: clinical testing. Allele origin: germline. Affected: no.
Comment: BP1

GeneDx
Classification: Uncertain significance. Last evaluated: 2023-11-02. Review status: criteria provided, single submitter. Criteria: GeneDx Variant Classification Process June 2021. Collection method: clinical testing. Allele origin: germline. Affected: yes.
Comment: Has not been previously published as pathogenic or benign to our knowledge; Not observed at significant frequency in large population cohorts (gnomAD); Missense variant in a gene in which most reported pathogenic variants are truncating/loss of function

Revvity Omics, Revvity
Classification: Uncertain significance. Last evaluated: 2021-12-28. Review status: criteria provided, single submitter. Criteria: ACMG Guidelines, 2015. Collection method: clinical testing. Allele origin: germline.

Eurofins Ntd Llc (ga)
Classification: Uncertain significance. Last evaluated: 2015-08-13. Review status: criteria provided, single submitter. Criteria: EGL Classification Definitions 2015. Collection method: clinical testing. Allele origin: germline. Observed: 1 variant allele, 1 heterozygote.

NM_001267550.2(TTN):c.61355T>A (p.Ile20452Asn)

Genes: TTN (titin; minus strand), TTN-AS1 (TTN antisense RNA 1; plus strand). Cytogenetic location: 2q31.2.
Variant type: single nucleotide variant.
Coding change: c.61355T>A on transcript NM_001267550.2 (MANE Select); coding-DNA position 61355, T replaced by A.
Protein change: p.Ile20452Asn; replaces isoleucine 20452 with asparagine.
Molecular consequence: missense variant.
Genome position (GRCh38, 1-based): chr2:178,590,370, A>T on the plus strand (T>A on the coding strand, the complement: TTN is on the minus strand). VCF-style: chr2-178590370-A-T. GRCh37 (hg19) VCF-style: chr2-179455097-A-T.
Other names: c.61355T>A (NM_001267550.1); c.56432T>A, p.Ile18811Asn (NM_001256850.1); c.34160T>A, p.Ile11387Asn (NM_003319.4); c.53651T>A, p.Ile17884Asn (NM_133378.4); c.34535T>A, p.Ile11512Asn (NM_133432.3); c.34736T>A, p.Ile11579Asn (NM_133437.4); short protein forms I17884N, I20452N, I18811N, I11387N, I11512N, I11579N.
Identifiers: ClinVar variation 282468 (VCV000282468.14), dbSNP rs375946418, ClinGen allele CA1992379.